The following is an entry in ClinVar:

NM_001322934.2(NFKB2):c.1416_1417del (p.Leu473fs)

Gene: NFKB2 (nuclear factor kappa B subunit 2; plus strand). Cytogenetic location: 10q24.32.
Variant type: Microsatellite.
Coding change: c.1416_1417del on transcript NM_001322934.2 (MANE Select); coding-DNA positions 1416 to 1417, 2 bases deleted (GC; older notation c.1416_1417delGC).
Protein change: p.Leu473fs; shifts the reading frame from leucine 473.
Molecular consequence: frameshift variant.
Genome position (GRCh38, 1-based): chr10:102,399,665-102,399,666, GC deleted; deleting any 2 consecutive bases within chr10:102,399,656-102,399,666 gives the same sequence; the c. name uses the placement nearest the transcript's 3' end. VCF-style (leftmost placement, unchanged base first): chr10-102399655-ACG-A. GRCh37 (hg19) VCF-style: chr10-104159412-ACG-A.
Other names: c.1416_1417del, p.Leu473fs (NM_001077494.3, NM_001261403.3, NM_001288724.1 and 1 more transcripts); c.1290_1291del, p.Leu431fs (NM_001322935.1); short protein forms L431fs, L473fs.
Identifiers: ClinVar variation 3340687 (VCV003340687.1).

ClinVar aggregate classification (germline): Likely pathogenic (1 of 4 stars; one submission).

Submission:

GeneDx
Classification: Likely pathogenic. Last evaluated: 2024-01-22. Review status: criteria provided, single submitter. Criteria: GeneDx Variant Classification Process June 2021. Collection method: clinical testing. Allele origin: germline. Affected: yes.
Comment: Frameshift variant predicted to result in protein truncation or nonsense mediated decay in a gene for which loss of function is a known mechanism of disease; This variant is associated with the following publications: (PMID: 30941118)